The following is an entry in ClinVar:

NM_001370466.1(NOD2):c.1190C>A (p.Thr397Asn)

Gene: NOD2 (nucleotide binding oligomerization domain containing 2; plus strand). Cytogenetic location: 16q12.1.
Variant type: single nucleotide variant.
Coding change: c.1190C>A on transcript NM_001370466.1 (MANE Select); coding-DNA position 1190, C replaced by A.
Protein change: p.Thr397Asn; replaces threonine 397 with asparagine.
Molecular consequence: missense variant. On other transcripts: non-coding transcript variant (1).
Genome position (GRCh38, 1-based): chr16:50,711,182, C>A. VCF-style: chr16-50711182-C-A. GRCh37 (hg19) VCF-style: chr16-50745093-C-A.
Other names: c.1190C>A, p.Thr397Asn (NM_001293557.2); c.1271C>A, p.Thr424Asn (NM_022162.3); short protein forms T397N, T424N.
Identifiers: ClinVar variation 649574 (VCV000649574.9), dbSNP rs1596864349, ClinGen allele CA395868576.

ClinVar aggregate classification (germline): Uncertain significance (1 of 4 stars; one submission).

Conditions:
Regional enteritis. Also called: Enteritis, Granulomatous. Identifiers: MedGen C0678202, MeSH D003424.
Blau syndrome (BLAUS). Also called: JABS SYNDROME; ARTHROCUTANEOUVEAL GRANULOMATOSIS; GRANULOMATOSIS, FAMILIAL JUVENILE SYSTEMIC; GRANULOMATOSIS, FAMILIAL, BLAU TYPE; GRANULOMATOUS INFLAMMATORY ARTHRITIS, DERMATITIS, AND UVEITIS, FAMILIAL. Identifiers: Orphanet 90340, MedGen C5201146, MONDO:0008523, OMIM 186580.

Submission:

Labcorp Genetics (formerly Invitae), Labcorp
Classification: Uncertain significance for Regional enteritis; Blau syndrome. Last evaluated: 2021-07-19. Review status: criteria provided, single submitter. Criteria: Invitae Variant Classification Sherloc (09022015). Collection method: clinical testing. Allele origin: germline.
Comment: In summary, the available evidence is currently insufficient to determine the role of this variant in disease. Therefore, it has been classified as a Variant of Uncertain Significance. Algorithms developed to predict the effect of missense changes on protein structure and function are either unavailable or do not agree on the potential impact of this missense change (SIFT: "Deleterious"; PolyPhen-2: "Probably Damaging"; Align-GVGD: "Class C0"). This variant has not been reported in the literature in individuals with NOD2-related disease. This variant is not present in population databases (ExAC no frequency). This sequence change replaces threonine with asparagine at codon 424 of the NOD2 protein (p.Thr424Asn). The threonine residue is highly conserved and there is a small physicochemical difference between threonine and asparagine.